The following is an entry in ClinVar:

NM_016151.4(TAOK2):c.1359del (p.Ala454fs)

Gene: TAOK2 (TAO kinase 2; plus strand). Cytogenetic location: 16p11.2.
Variant type: Deletion.
Coding change: c.1359del on transcript NM_016151.4 (MANE Select); coding-DNA position 1359, one base deleted (C; older notation c.1359delC).
Protein change: p.Ala454fs; shifts the reading frame from alanine 454.
Molecular consequence: frameshift variant.
Genome position (GRCh38, 1-based): chr16:29,983,601, C deleted; the last of 2 consecutive C bases (chr16:29,983,600-29,983,601); deleting either gives the same sequence. VCF-style (leftmost placement, unchanged base first): chr16-29983599-TC-T. GRCh37 (hg19) VCF-style: chr16-29994920-TC-T.
Other names: c.1359del, p.Ala454fs (NM_001252043.2, NM_004783.4); short protein forms A454fs.
Identifiers: ClinVar variation 2026161 (VCV002026161.4), dbSNP rs2543639699, ClinGen allele CA2580091453.

ClinVar aggregate classification (germline): Uncertain significance (1 of 4 stars; one submission).

Submission:

Labcorp Genetics (formerly Invitae), Labcorp
Classification: Uncertain significance. Last evaluated: 2022-08-22. Review status: criteria provided, single submitter. Criteria: Invitae Variant Classification Sherloc (09022015). Collection method: clinical testing. Allele origin: germline.
Comment: This variant is not present in population databases (gnomAD no frequency). In summary, the available evidence is currently insufficient to determine the role of this variant in disease. Therefore, it has been classified as a Variant of Uncertain Significance. This variant has not been reported in the literature in individuals affected with TAOK2-related conditions. This sequence change creates a premature translational stop signal (p.Ala454Profs*39) in the TAOK2 gene. It is expected to result in an absent or disrupted protein product. However, the current clinical and genetic evidence is not sufficient to establish whether loss-of-function variants in TAOK2 cause disease.